The following is an entry in ClinVar:

ClinVar aggregate classification (germline): Uncertain significance (1 of 4 stars; one submission).

Allele frequency attached by ClinVar (database versions not stated): gnomAD exomes below 0.00001.
gnomAD v4.1: 1 of 1,614,170 alleles (0.000062%); highest among the groups gnomAD compares: Non-Finnish European, 0.000085%; no homozygotes.

Submission:

GeneDx
Classification: Uncertain significance. Last evaluated: 2022-08-12. Review status: criteria provided, single submitter. Criteria: GeneDx Variant Classification Process June 2021. Collection method: clinical testing. Allele origin: germline. Affected: yes.
Comment: Not observed at significant frequency in large population cohorts (gnomAD); In silico analysis supports that this missense variant has a deleterious effect on protein structure/function; Has not been previously published as pathogenic or benign to our knowledge

NM_001370466.1(NOD2):c.949T>C (p.Ser317Pro)

Gene: NOD2 (nucleotide binding oligomerization domain containing 2; plus strand). Cytogenetic location: 16q12.1.
Variant type: single nucleotide variant.
Coding change: c.949T>C on transcript NM_001370466.1 (MANE Select); coding-DNA position 949, T replaced by C.
Protein change: p.Ser317Pro; replaces serine 317 with proline.
Molecular consequence: missense variant. On other transcripts: non-coding transcript variant (1).
Genome position (GRCh38, 1-based): chr16:50,710,941, T>C. VCF-style: chr16-50710941-T-C. GRCh37 (hg19) VCF-style: chr16-50744852-T-C.
Other names: c.949T>C, p.Ser317Pro (NM_001293557.2); c.1030T>C, p.Ser344Pro (NM_022162.3); short protein forms S317P, S344P.
Identifiers: ClinVar variation 2429701 (VCV002429701.1), dbSNP rs2506400308, ClinGen allele CA395868083.